The following is an entry in ClinVar:

ClinVar aggregate classification (germline): Uncertain significance (1 of 4 stars; one submission).

Allele frequency attached by ClinVar (database versions not stated): gnomAD exomes below 0.00001; gnomAD 0.00001.
gnomAD v4.1: 4 of 1,209,204 alleles (0.00033%); highest among the groups gnomAD compares: African/African-American, 0.0035%; no homozygotes.

Submission:

Labcorp Genetics (formerly Invitae), Labcorp
Classification: Uncertain significance. Last evaluated: 2025-02-24. Review status: criteria provided, single submitter. Criteria: Invitae Variant Classification Sherloc (09022015). Collection method: clinical testing. Allele origin: germline.
Comment: This sequence change replaces isoleucine, which is neutral and non-polar, with threonine, which is neutral and polar, at codon 446 of the NEXMIF protein (p.Ile446Thr). This variant is present in population databases (no rsID available, gnomAD 0.001%), including at least one homozygous and/or hemizygous individual. This variant has not been reported in the literature in individuals affected with NEXMIF-related conditions. ClinVar contains an entry for this variant (Variation ID: 2048254). An algorithm developed to predict the effect of missense changes on protein structure and function outputs the following: PolyPhen-2: "Benign". The threonine amino acid residue is found in multiple mammalian species, which suggests that this missense change does not adversely affect protein function. In summary, the available evidence is currently insufficient to determine the role of this variant in disease. Therefore, it has been classified as a Variant of Uncertain Significance.

NM_001008537.3(NEXMIF):c.1337T>C (p.Ile446Thr)

Gene: NEXMIF (neurite extension and migration factor; minus strand). Cytogenetic location: Xq13.3.
Variant type: single nucleotide variant.
Coding change: c.1337T>C on transcript NM_001008537.3 (MANE Select); coding-DNA position 1337, T replaced by C.
Protein change: p.Ile446Thr; replaces isoleucine 446 with threonine.
Molecular consequence: missense variant.
Genome position (GRCh38, 1-based): chrX:74,743,220, A>G on the plus strand (T>C on the coding strand, the complement: NEXMIF is on the minus strand). VCF-style: chrX-74743220-A-G. GRCh37 (hg19) VCF-style: chrX-73963055-A-G.
Other names: short protein forms I446T.
Identifiers: ClinVar variation 2048254 (VCV002048254.4), dbSNP rs1323383695, ClinGen allele CA413670739.